The following is an entry in ClinVar:

NM_000352.6(ABCC8):c.3817A>T (p.Arg1273Trp)

Gene: ABCC8 (ATP binding cassette subfamily C member 8; minus strand). Cytogenetic location: 11p15.1.
Variant type: single nucleotide variant.
Coding change: c.3817A>T on transcript NM_000352.6 (MANE Select); coding-DNA position 3817, A replaced by T.
Protein change: p.Arg1273Trp; replaces arginine 1273 with tryptophan.
Molecular consequence: missense variant. On other transcripts: non-coding transcript variant (1).
Genome position (GRCh38, 1-based): chr11:17,397,734, T>A on the plus strand (A>T on the coding strand, the complement: ABCC8 is on the minus strand). VCF-style: chr11-17397734-T-A. GRCh37 (hg19) VCF-style: chr11-17419281-T-A.
Other names: c.3820A>T, p.Arg1274Trp (NM_001287174.3); c.3883A>T, p.Arg1295Trp (NM_001351295.2); c.3817A>T, p.Arg1273Trp (NM_001351296.2); c.3814A>T, p.Arg1272Trp (NM_001351297.2); short protein forms R1273W, R1274W, R1295W, R1272W.
Identifiers: ClinVar variation 549540 (VCV000549540.3), dbSNP rs1554906389, ClinGen allele CA379793341.
Genomic context (GRCh38, chr11:17,397,734, plus strand): 5'-TGCCGCTCACCATTAGGGCGTAGGTAAGGCCCAGGCCCACCAGGCCAGCAGAGAGCTCCC[T>A]GTGCAGGGAGTTGGAGATGGAGGTCACCGCTGCGATGAGCACCACACATGCACCGATGTA-3'
Protein context (NP_000343.2, residues 1263-1283): AVTSISNSLH[Arg1273Trp]ELSAGLVGLG

ClinVar aggregate classification (germline): Uncertain significance. Review status: criteria provided, multiple submitters, no conflicts (2 of 4 stars). 3 submissions from 2 submitters: Uncertain significance (3). Last evaluated 2017-08-01.

Conditions:
Monogenic diabetes. Identifiers: Orphanet 183625, MedGen C3888631, MONDO:0015967.
Transitory neonatal diabetes mellitus. Also called: Transient neonatal diabetes mellitus. Identifiers: MedGen C0342273, MONDO:0020525, HP:0008255.
Maturity-onset diabetes of the young (MODY). Also called: Maturity onset diabetes mellitus in young. Identifiers: Orphanet 552, MedGen C0342276, MONDO:0018911, HP:0004904.

Submissions (3):

Personalized Diabetes Medicine Program, University of Maryland School of Medicine
Classification: Uncertain significance for Monogenic diabetes. Last evaluated: 2017-08-01. Review status: criteria provided, single submitter. Criteria: ACMG Guidelines, 2015. Collection method: research. Allele origin: unknown. Observed: 1 variant allele, 1 heterozygote. Study: Personalized Diabetes Medicine Program.
Comment: ACMG Criteria:PP3 (6 predictors), BP4 (3 predictors), PM2 (absent in database)

Clinical Genomics, Uppaluri K&H Personalized Medicine Clinic
Classification: Uncertain significance for Transitory neonatal diabetes mellitus. Review status: criteria provided, single submitter. Criteria: K & H Uppaluri Personalized Medicine Clinic Variant Classification & Assertion Criteria_Updated V.1. Collection method: research. Allele origin: somatic. Inheritance: Somatic mutation.
Comment: Mutations in ABCC8 gene are associated with both neonatal diabetes mellitus as well as MODY. Patients with this mutation may have a better response to sulfonylureas. However, no sufficient evidence is found to ascertain the role of this particular variant (rs1554906389) in neonatal diabetes yet.

Clinical Genomics, Uppaluri K&H Personalized Medicine Clinic
Classification: Uncertain significance for Maturity-onset diabetes of the young. Review status: criteria provided, single submitter. Criteria: K & H Uppaluri Personalized Medicine Clinic Variant Classification & Assertion Criteria_Updated V.1. Collection method: research. Allele origin: somatic. Inheritance: Somatic mutation.
Comment: Mutations in ABCC8 gene are associated with both neonatal diabetes mellitus as well as MODY. Patients with this mutation may have a better response to sulfonylureas. However, no sufficient evidence is found to ascertain the role of this particular variant (rs1554906389) in MODY yet.

Literature cited by the submitters: PubMed 16885549 (cited by Clinical Genomics, Uppaluri K&H Personalized Medicine Clinic); PubMed 21989597 (cited by Clinical Genomics, Uppaluri K&H Personalized Medicine Clinic); PubMed 27538677 (cited by Clinical Genomics, Uppaluri K&H Personalized Medicine Clinic); PubMed 18981553 (cited by Clinical Genomics, Uppaluri K&H Personalized Medicine Clinic); PubMed 32027066 (cited by Clinical Genomics, Uppaluri K&H Personalized Medicine Clinic); PubMed 16613899 (cited by Clinical Genomics, Uppaluri K&H Personalized Medicine Clinic); PubMed 18025408 (cited by Clinical Genomics, Uppaluri K&H Personalized Medicine Clinic); PubMed 32792356 (cited by Clinical Genomics, Uppaluri K&H Personalized Medicine Clinic).